The following is an entry in ClinVar:

NM_002691.4(POLD1):c.2404C>T (p.Leu802=)

Gene: POLD1 (DNA polymerase delta 1, catalytic subunit; plus strand). Cytogenetic location: 19q13.33.
Variant type: single nucleotide variant.
Coding change: c.2404C>T on transcript NM_002691.4 (MANE Select); coding-DNA position 2404, C replaced by T.
Protein change: p.Leu802=; no amino-acid change (leucine 802 retained).
Molecular consequence: synonymous variant. On other transcripts: non-coding transcript variant (1).
Genome position (GRCh38, 1-based): chr19:50,414,830, C>T. VCF-style: chr19-50414830-C-T. GRCh37 (hg19) VCF-style: chr19-50918087-C-T.
Other names: c.2404C>T, p.Leu802= (NM_001256849.1); c.2482C>T, p.Leu828= (NM_001308632.1).
Identifiers: ClinVar variation 3781380 (VCV003781380.1).

ClinVar aggregate classification (germline): Uncertain significance (1 of 4 stars; one submission).

Conditions:
Hereditary cancer-predisposing syndrome. Also called: Neoplastic Syndromes, Hereditary; Hereditary Cancer Syndrome; Tumor predisposition; Hereditary neoplastic syndrome. Identifiers: Orphanet 140162, MedGen C0027672, MeSH D009386, MONDO:0015356.

Submission:

Ambry Genetics
Classification: Uncertain significance for Hereditary cancer-predisposing syndrome. Last evaluated: 2025-01-19. Review status: criteria provided, single submitter. Criteria: Ambry Variant Classification Scheme 2023. Collection method: clinical testing. Allele origin: germline.
Comment: The c.2404C>T variant (also known as p.L802L), located in coding exon 19 of the POLD1 gene, results from a C to T substitution at nucleotide position 2404. This nucleotide substitution does not change the at codon 802. This nucleotide position is highly conserved in available vertebrate species. In silico splice site analysis predicts that this alteration may result in the creation or strengthening of a novel splice acceptor site. Based on the available evidence, the clinical significance of this variant remains unclear.